The following is an entry in ClinVar:

NM_178857.6(RP1L1):c.379C>T (p.Gln127Ter)

Gene: RP1L1 (RP1 like 1). Cytogenetic location: 8p23.1.
Variant type: single nucleotide variant.
Coding change: c.379C>T on transcript NM_178857.6 (MANE Select); coding-DNA position 379, C replaced by T.
Protein change: p.Gln127Ter; replaces glutamine 127 with a stop codon.
Molecular consequence: nonsense.
Genome position (GRCh38, 1-based): chr8:10,622,823, G>A on the plus strand (C>T on the coding strand, the complement: RP1L1 is on the minus strand). VCF-style: chr8-10622823-G-A. GRCh37 (hg19) VCF-style: chr8-10480333-G-A.
Other names: short protein forms Q127*.
Identifiers: ClinVar variation 1420817 (VCV001420817.7), dbSNP rs1026958280, ClinGen allele CA171954747.

ClinVar aggregate classification (germline): Conflicting classifications of pathogenicity. Review status: criteria provided, conflicting classifications (1 of 4 stars). 2 submissions from 2 submitters: Likely pathogenic (1); Uncertain significance (1). Last evaluated 2026-05-08.

Conditions:
RP1L1-related disorder. Also called: RP1L1-related condition.

Allele frequency attached by ClinVar (database versions not stated): gnomAD 0.00001; TOPMed 0.00001.

Submissions (2):

PreventionGenetics, part of Exact Sciences
Classification: Likely pathogenic for RP1L1-related condition. Last evaluated: 2026-05-08. Review status: criteria provided, single submitter. Criteria: ACMG Guidelines, 2015. Collection method: clinical testing. Allele origin: germline.
Comment: The RP1L1 c.379C>T variant is predicted to result in premature protein termination (p.Gln127*). To our knowledge, this variant has not been reported in the literature. This variant is absent in a large population database (gnomAD), indicating this variant is rare. Predicted loss of function variants, such as frameshift and nonsense variants, in RP1L1 are an established mechanism of autosomal recessive disease (Noel et al. 2020. PubMed ID: 32360662). Given the evidence, we interpret this variant as likely pathogenic for autosomal recessive disease.

Labcorp Genetics (formerly Invitae), Labcorp
Classification: Uncertain significance. Last evaluated: 2021-07-22. Review status: criteria provided, single submitter. Criteria: Invitae Variant Classification Sherloc (09022015). Collection method: clinical testing. Allele origin: germline.
Comment: This sequence change creates a premature translational stop signal (p.Gln127*) in the RP1L1 gene. It is expected to result in an absent or disrupted protein product. However, the current clinical and genetic evidence is not sufficient to establish whether loss-of-function variants in RP1L1 cause disease. This variant is not present in population databases (ExAC no frequency). This variant has not been reported in the literature in individuals affected with RP1L1-related conditions. In summary, the available evidence is currently insufficient to determine the role of this variant in disease. Therefore, it has been classified as a Variant of Uncertain Significance.